The following is an entry in ClinVar:

ClinVar aggregate classification (germline): Uncertain significance (1 of 4 stars; one submission).

Conditions:
Hereditary cancer-predisposing syndrome. Also called: Neoplastic Syndromes, Hereditary; Tumor predisposition; Hereditary neoplastic syndrome; Hereditary Cancer Syndrome. Identifiers: Orphanet 140162, MedGen C0027672, MeSH D009386, MONDO:0015356.

Submission:

Ambry Genetics
Classification: Uncertain significance for Hereditary cancer-predisposing syndrome. Last evaluated: 2026-07-09. Review status: criteria provided, single submitter. Criteria: Ambry Variant Classification Scheme 2023. Collection method: clinical testing. Allele origin: germline.
Comment: The p.R1098T variant (also known as c.3293G>C), located in coding exon 16 of the BLM gene, results from a G to C substitution at nucleotide position 3293. The arginine at codon 1098 is replaced by threonine, an amino acid with similar properties. This amino acid position is conserved. In addition, this alteration is predicted to be tolerated by in silico analysis. Based on the available evidence, the clinical significance of this variant remains unclear.

NM_000057.4(BLM):c.3293G>C (p.Arg1098Thr)

Gene: BLM (BLM RecQ like helicase; plus strand). Cytogenetic location: 15q26.1.
Variant type: single nucleotide variant.
Coding change: c.3293G>C on transcript NM_000057.4 (MANE Select); coding-DNA position 3293, G replaced by C.
Protein change: p.Arg1098Thr; replaces arginine 1098 with threonine.
Molecular consequence: missense variant.
Genome position (GRCh38, 1-based): chr15:90,798,272, G>C. VCF-style: chr15-90798272-G-C. GRCh37 (hg19) VCF-style: chr15-91341502-G-C.
Other names: c.3293G>C, p.Arg1098Thr (NM_001287246.2, NM_001287247.2); c.2168G>C, p.Arg723Thr (NM_001287248.2); short protein forms R1098T, R723T.
Identifiers: ClinVar variation 5032898 (VCV005032898.1).